The following is an entry in ClinVar:

NM_000489.6(ATRX):c.2617G>C (p.Glu873Gln)

Gene: ATRX (ATRX chromatin remodeler; minus strand). Cytogenetic location: Xq21.1.
Variant type: single nucleotide variant.
Coding change: c.2617G>C on transcript NM_000489.6 (MANE Select); coding-DNA position 2617, G replaced by C.
Protein change: p.Glu873Gln; replaces glutamic acid 873 with glutamine.
Molecular consequence: missense variant.
Genome position (GRCh38, 1-based): chrX:77,682,639, C>G on the plus strand (G>C on the coding strand, the complement: ATRX is on the minus strand). VCF-style: chrX-77682639-C-G. GRCh37 (hg19) VCF-style: chrX-76938131-C-G.
Other names: c.2503G>C, p.Glu835Gln (NM_138270.5); short protein forms E873Q, E835Q.
Identifiers: ClinVar variation 388508 (VCV000388508.20), dbSNP rs967071645, ClinGen allele CA16608942.

ClinVar aggregate classification (germline): Conflicting classifications of pathogenicity. Review status: criteria provided, conflicting classifications (1 of 4 stars). 3 submissions from 3 submitters: Uncertain significance (2); Likely benign (1). Last evaluated 2025-03-01.

Conditions:
Alpha thalassemia-X-linked intellectual disability syndrome (ATRX). Also called: ALPHA-THALASSEMIA/MENTAL RETARDATION SYNDROME, X-LINKED; X-linked alpha-thalassemia-mental retardation syndrome; ATR-X syndrome; Alpha thalassemia mental retardation syndrome, nondeletion type, X-linked; XLMR hypotonic face syndrome; ATR, NONDELETION TYPE. Identifiers: Orphanet 847, MedGen C1845055, MONDO:0010519, OMIM 301040.

Allele frequency attached by ClinVar (database versions not stated): gnomAD exomes 0.00001 and below 0.00001.
gnomAD v4.1: 5 of 1,209,510 alleles (0.00041%); highest among the groups gnomAD compares: Middle Eastern, 0.023%; no homozygotes.

Submissions (3):

Labcorp Genetics (formerly Invitae), Labcorp
Classification: Likely benign for Alpha thalassemia-X-linked intellectual disability syndrome. Last evaluated: 2025-03-01. Review status: criteria provided, single submitter. Criteria: Invitae Variant Classification Sherloc (09022015). Collection method: clinical testing. Allele origin: germline.

CeGaT Center for Human Genetics Tuebingen
Classification: Uncertain significance. Last evaluated: 2024-12-01. Review status: criteria provided, single submitter. Criteria: CeGaT Center For Human Genetics Tuebingen Variant Classification Criteria Version 2. Collection method: clinical testing. Allele origin: germline. Affected: yes. Observed: 1 variant allele.

GeneDx
Classification: Uncertain significance. Last evaluated: 2016-08-17. Review status: criteria provided, single submitter. Criteria: GeneDx Variant Classification (06012015). Collection method: clinical testing. Allele origin: germline. Affected: yes.
Comment: The E873Q variant in the ATRX gene has not been reported previously as a pathogenic variant, nor as a benign variant, to our knowledge. The E873Q variant was not observed in approximately 6500 individuals of European and African American ancestry in the NHLBI Exome Sequencing Project, indicating it is not a common benign variant in these populations. The E873Q variant is a semi-conservative amino acid substitution, which may impact secondary protein structure as these residues differ in some properties. This substitution occurs at a position that is not conserved. In silico analysis is inconsistent in its predictions as to whether or not the variant is damaging to the protein structure/function. We interpret E873Q as a variant of uncertain significance.